The following is an entry in ClinVar:

NM_052854.4(CREB3L1):c.104A>G (p.His35Arg)

Gene: CREB3L1 (cAMP responsive element binding protein 3 like 1; plus strand). Cytogenetic location: 11p11.2.
Variant type: single nucleotide variant.
Coding change: c.104A>G on transcript NM_052854.4 (MANE Select); coding-DNA position 104, A replaced by G.
Protein change: p.His35Arg; replaces histidine 35 with arginine.
Molecular consequence: missense variant.
Genome position (GRCh38, 1-based): chr11:46,299,936, A>G. VCF-style: chr11-46299936-A-G. GRCh37 (hg19) VCF-style: chr11-46321487-A-G.
Other names: short protein forms H35R.
Identifiers: ClinVar variation 1990827 (VCV001990827.4), dbSNP rs764415914, ClinGen allele CA5961499.

ClinVar aggregate classification (germline): Uncertain significance (1 of 4 stars; one submission).

Allele frequency attached by ClinVar (database versions not stated): gnomAD exomes below 0.00001; ExAC 0.00001; gnomAD 0.00001; TOPMed 0.00002.
gnomAD v4.1: 4 of 1,612,544 alleles (0.00025%); highest among the groups gnomAD compares: African/African-American, 0.0053%; no homozygotes.

Submission:

Labcorp Genetics (formerly Invitae), Labcorp
Classification: Uncertain significance. Last evaluated: 2022-06-12. Review status: criteria provided, single submitter. Criteria: Invitae Variant Classification Sherloc (09022015). Collection method: clinical testing. Allele origin: germline.
Comment: In summary, the available evidence is currently insufficient to determine the role of this variant in disease. Therefore, it has been classified as a Variant of Uncertain Significance. Algorithms developed to predict the effect of missense changes on protein structure and function (SIFT, PolyPhen-2, Align-GVGD) all suggest that this variant is likely to be tolerated. This variant has not been reported in the literature in individuals affected with CREB3L1-related conditions. This variant is present in population databases (rs764415914, gnomAD 0.007%). This sequence change replaces histidine, which is basic and polar, with arginine, which is basic and polar, at codon 35 of the CREB3L1 protein (p.His35Arg).